The following is an entry in ClinVar:

ClinVar aggregate classification (germline): Uncertain significance (1 of 4 stars; one submission).

Conditions:
Short-rib thoracic dysplasia 8 with or without polydactyly (SRTD8). Also called: SHORT-RIB THORACIC DYSPLASIA 8 WITH POLYDACTYLY. Identifiers: Orphanet 93271, MedGen C3809691, MONDO:0014214, OMIM 615503.

Submission:

Labcorp Genetics (formerly Invitae), Labcorp
Classification: Uncertain significance for Short-rib thoracic dysplasia 8 with or without polydactyly. Last evaluated: 2022-06-17. Review status: criteria provided, single submitter. Criteria: Invitae Variant Classification Sherloc (09022015). Collection method: clinical testing. Allele origin: germline.
Comment: In summary, the available evidence is currently insufficient to determine the role of this variant in disease. Therefore, it has been classified as a Variant of Uncertain Significance. Algorithms developed to predict the effect of missense changes on protein structure and function output the following: SIFT: "Tolerated"; PolyPhen-2: "Probably Damaging"; Align-GVGD: "Class C0". The aspartic acid amino acid residue is found in multiple mammalian species, which suggests that this missense change does not adversely affect protein function. This variant has not been reported in the literature in individuals affected with WDR60-related conditions. This variant is not present in population databases (gnomAD no frequency). This sequence change replaces glutamic acid, which is acidic and polar, with aspartic acid, which is acidic and polar, at codon 54 of the WDR60 protein (p.Glu54Asp).

NM_018051.5(DYNC2I1):c.162G>C (p.Glu54Asp)

Gene: DYNC2I1 (dynein 2 intermediate chain 1; plus strand). Cytogenetic location: 7q36.3.
Variant type: single nucleotide variant.
Coding change: c.162G>C on transcript NM_018051.5 (MANE Select); coding-DNA position 162, G replaced by C.
Protein change: p.Glu54Asp; replaces glutamic acid 54 with aspartic acid.
Molecular consequence: missense variant. On other transcripts: 5 prime UTR variant (4).
Genome position (GRCh38, 1-based): chr7:158,871,234, G>C. VCF-style: chr7-158871234-G-C. GRCh37 (hg19) VCF-style: chr7-158663925-G-C.
Other names: c.24G>C, p.Glu8Asp (NM_001350914.2); c.-356G>C (NM_001350915.2); c.-1197G>C (NM_001350916.2); c.-1205G>C (NM_001350917.2); c.-1324G>C (NM_001350918.2); short protein forms E54D, E8D.
Identifiers: ClinVar variation 2091431 (VCV002091431.4), dbSNP rs2535809743, ClinGen allele CA370176660.